The following is an entry in ClinVar:

ClinVar aggregate classification (germline): Uncertain significance (1 of 4 stars; one submission).

Submission:

GeneDx
Classification: Uncertain significance. Last evaluated: 2022-06-02. Review status: criteria provided, single submitter. Criteria: GeneDx Variant Classification Process June 2021. Collection method: clinical testing. Allele origin: germline. Affected: yes.
Comment: In-frame duplication of 5 amino acids; Has not been previously published as pathogenic or benign to our knowledge

NM_001042681.2(RERE):c.3910_3924dup (p.Glu1308_Ile1309insLeuArgGluArgGlu)

Gene: RERE (arginine-glutamic acid dipeptide repeats; minus strand). Cytogenetic location: 1p36.23.
Variant type: Duplication.
Coding change: c.3910_3924dup on transcript NM_001042681.2 (MANE Select); coding-DNA positions 3910 to 3924, 15 bases duplicated (CTCCGGGAGCGGGAG).
Protein change: p.Glu1308_Ile1309insLeuArgGluArgGlu.
Molecular consequence: inframe insertion.
Genome position (GRCh38, 1-based): chr1:8,358,611-8,358,625, CTCCCGCTCCCGGAG duplicated on the plus strand (CTCCGGGAGCGGGAG on the coding strand, the reverse complement: RERE is on the minus strand); duplicating any 15 consecutive bases within chr1:8,358,611-8,358,634 gives the same sequence; the c. name uses the placement nearest the transcript's 3' end. VCF-style (leftmost placement, unchanged base first): chr1-8358610-T-TCTCCCGCTCCCGGAG. GRCh37 (hg19) VCF-style: chr1-8418670-T-TCTCCCGCTCCCGGAG.
Other names: c.2248_2262dup, p.Glu754_Ile755insLeuArgGluArgGlu (NM_001042682.2); c.3910_3924dup, p.Glu1308_Ile1309insLeuArgGluArgGlu (NM_012102.4).
Identifiers: ClinVar variation 1802082 (VCV001802082.1), dbSNP rs754280682, ClinGen allele CA570952.